The following is an entry in ClinVar:

ClinVar aggregate classification (germline): Uncertain significance. Review status: criteria provided, multiple submitters, no conflicts (2 of 4 stars). 5 submissions from 5 submitters: Uncertain significance (5). Last evaluated 2025-11-04.

Conditions:
Hereditary nonpolyposis colorectal neoplasms. Identifiers: MedGen C0009405, MeSH D003123.
Endometrial carcinoma. Also called: Endometrial carcinoma, somatic. Identifiers: MedGen C0476089, MONDO:0002447, OMIM 608089, HP:0012114.
Hereditary cancer-predisposing syndrome. Also called: Hereditary neoplastic syndrome; Tumor predisposition; Hereditary Cancer Syndrome; Neoplastic Syndromes, Hereditary. Identifiers: Orphanet 140162, MedGen C0027672, MeSH D009386, MONDO:0015356.

Submissions (5):

Ambry Genetics
Classification: Uncertain significance for Hereditary cancer-predisposing syndrome. Last evaluated: 2025-11-04. Review status: criteria provided, single submitter. Criteria: Ambry Variant Classification Scheme 2023. Collection method: clinical testing. Allele origin: germline.
Comment: The p.K543R variant (also known as c.1628A>G), located in coding exon 4 of the MSH6 gene, results from an A to G substitution at nucleotide position 1628. The lysine at codon 543 is replaced by arginine, an amino acid with highly similar properties. This amino acid position is well conserved in available vertebrate species; however, arginine is the reference amino acid in other vertebrate species. In addition, the in silico prediction for this alteration is inconclusive. Based on the available evidence, the clinical significance of this variant remains unclear.

Color Diagnostics, LLC DBA Color Health
Classification: Uncertain significance for Hereditary cancer-predisposing syndrome. Last evaluated: 2024-08-06. Review status: criteria provided, single submitter. Criteria: ACMG Guidelines, 2015. Collection method: clinical testing. Allele origin: germline.
Comment: This missense variant replaces lysine with arginine at codon 543 of the MSH6 protein. Computational prediction is inconclusive regarding the impact of this variant on protein structure and function (internally defined REVEL score threshold 0.5 < inconclusive < 0.7, PMID: 27666373). To our knowledge, functional studies have not been reported for this variant. This variant has been reported in an individual affected with colorectal cancer (doi:10.1200/JCO.2021.39.3_suppl.46). This variant has not been identified in the general population by the Genome Aggregation Database (gnomAD). The available evidence is insufficient to determine the role of this variant in disease conclusively. Therefore, this variant is classified as a Variant of Uncertain Significance.

Baylor Genetics
Classification: Uncertain significance for Endometrial carcinoma. Last evaluated: 2023-07-16. Review status: criteria provided, single submitter. Criteria: ACMG Guidelines, 2015. Collection method: clinical testing. Allele origin: unknown.

Sema4
Classification: Uncertain significance for Hereditary cancer-predisposing syndrome. Last evaluated: 2021-07-28. Review status: criteria provided, single submitter. Criteria: Sema4 Curation Guidelines. Collection method: curation. Allele origin: germline.
Comment: To the best of our knowledge, the MSH6 c.1628A>G (p.K543R) variant has not been reported in individuals with MSH6-related disease. It was not observed in the large and broad cohorts of the Genome Aggregation Database. The variant has been reported in ClinVar (Variation ID 491876). Functional studies have not been performed, and in silico predictions of the variant's effect on protein function are inconclusive. The evidence is insufficient to meet ACMG/AMP criteria for classifying the variant as benign or pathogenic. Thus, the clinical significance of this variant is currently uncertain.

Labcorp Genetics (formerly Invitae), Labcorp
Classification: Uncertain significance for Hereditary nonpolyposis colorectal neoplasms. Last evaluated: 2019-01-01. Review status: criteria provided, single submitter. Criteria: Invitae Variant Classification Sherloc (09022015). Collection method: clinical testing. Allele origin: germline.
Comment: This sequence change replaces lysine with arginine at codon 543 of the MSH6 protein (p.Lys543Arg). The lysine residue is moderately conserved and there is a small physicochemical difference between lysine and arginine. This variant is not present in population databases (ExAC no frequency). This variant has not been reported in the literature in individuals with MSH6-related conditions. ClinVar contains an entry for this variant (Variation ID: 491876). Algorithms developed to predict the effect of missense changes on protein structure and function are either unavailable or do not agree on the potential impact of this missense change (SIFT: "Tolerated"; PolyPhen-2: "Probably Damaging"; Align-GVGD: "Class C0"). In summary, the available evidence is currently insufficient to determine the role of this variant in disease. Therefore, it has been classified as a Variant of Uncertain Significance.

NM_000179.3(MSH6):c.1628A>G (p.Lys543Arg)

Gene: MSH6 (mutS homolog 6; plus strand). Cytogenetic location: 2p16.3.
Variant type: single nucleotide variant.
Coding change: c.1628A>G on transcript NM_000179.3 (MANE Select); coding-DNA position 1628, A replaced by G.
Protein change: p.Lys543Arg; replaces lysine 543 with arginine.
Molecular consequence: missense variant.
Genome position (GRCh38, 1-based): chr2:47,799,611, A>G. VCF-style: chr2-47799611-A-G. GRCh37 (hg19) VCF-style: chr2-48026750-A-G.
Other names: c.1238A>G, p.Lys413Arg (NM_001281492.2); c.722A>G, p.Lys241Arg (NM_001281493.2, NM_001281494.2); short protein forms K543R, K241R, K413R.
Identifiers: ClinVar variation 491876 (VCV000491876.19), dbSNP rs1553413015, ClinGen allele CA346747119.
Genomic context (GRCh38, chr2:47,799,611, plus strand): 5'-CTTACAGTGTGCTGGAAGGTGATCCCTCTGAGAACTACAGTAAGTATCTTCTTAGCCTCA[A>G]AGAAAAAGAGGAAGATTCTTCTGGCCATACTCGTGCATATGGTGTGTGCTTTGTTGATAC-3'
Protein context (NP_000170.1, residues 533-553): ENYSKYLLSL[Lys543Arg]EKEEDSSGHT